The following is an entry in ClinVar:

ClinVar aggregate classification (germline): Uncertain significance (1 of 4 stars; one submission).

Submission:

GeneDx
Classification: Uncertain significance. Last evaluated: 2024-03-21. Review status: criteria provided, single submitter. Criteria: GeneDx Variant Classification Process June 2021. Collection method: clinical testing. Allele origin: germline. Affected: yes.
Comment: Not observed at significant frequency in large population cohorts (gnomAD); In silico analysis supports that this missense variant has a deleterious effect on protein structure/function; Has not been previously published as pathogenic or benign to our knowledge

NM_015922.3(NSDHL):c.707A>G (p.Asp236Gly)

Gene: NSDHL (NAD(P) dependent steroid dehydrogenase-like; plus strand). Cytogenetic location: Xq28.
Variant type: single nucleotide variant.
Coding change: c.707A>G on transcript NM_015922.3 (MANE Select); coding-DNA position 707, A replaced by G.
Protein change: p.Asp236Gly; replaces aspartic acid 236 with glycine.
Molecular consequence: missense variant.
Genome position (GRCh38, 1-based): chrX:152,867,591, A>G. VCF-style: chrX-152867591-A-G. GRCh37 (hg19) VCF-style: chrX-152036135-A-G.
Other names: c.707A>G, p.Asp236Gly (NM_001129765.2); short protein forms D236G.
Identifiers: ClinVar variation 3371116 (VCV003371116.1).